The following continues an entry in ClinVar:

NM_000152.5(GAA):c.2104C>T (p.Arg702Cys)

Gene: GAA. ClinVar aggregate classification (germline): Pathogenic. Pathogenic (1).

Submissions 10 to 16 of 16:

Fulgent Genetics
Classification: Pathogenic for Glycogen storage disease, type II. Last evaluated: 2021-08-24. Review status: criteria provided, single submitter. Criteria: ACMG Guidelines, 2015. Collection method: clinical testing. Allele origin: unknown. Not counted in ClinVar's aggregate classification.

Women's Health and Genetics/Laboratory Corporation of America, LabCorp
Classification: Pathogenic for Glycogen storage disease, type II. Last evaluated: 2021-05-03. Review status: criteria provided, single submitter. Criteria: LabCorp Variant Classification Summary - May 2015. Collection method: clinical testing. Allele origin: germline. Not counted in ClinVar's aggregate classification.
Comment: Variant summary: GAA c.2104C>T (p.Arg702Cys) results in a non-conservative amino acid change in the encoded protein sequence. Five of five in-silico tools predict a damaging effect of the variant on protein function. The variant was absent in 222816 control chromosomes. c.2104C>T has been reported in the literature in individuals affected with Glycogen Storage Disease, Type 2 (Pompe Disease, e.g. Montalvo_2004, Angelini_2012, Chen_2015). These data indicate that the variant is likely to be associated with disease. At least one publication reports experimental evidence evaluating an impact on protein function. The most pronounced variant effect results in <10% of normal activity (Montalvo_2004). Three clinical diagnostic laboratories have submitted clinical-significance assessments for this variant to ClinVar after 2014 without evidence for independent evaluation. All laboratories classified the variant as pathogenic. Based on the evidence outlined above, the variant was classified as pathogenic.

Broad Center for Mendelian Genomics, Broad Institute of MIT and Harvard
Classification: Pathogenic for Glycogen storage disease, type II. Last evaluated: 2020-01-22. Review status: criteria provided, single submitter. Criteria: ACMG Guidelines, 2015. Collection method: curation. Allele origin: germline. Inheritance: Autosomal recessive inheritance. Not counted in ClinVar's aggregate classification.
Comment: The p.Arg702Cys variant in GAA has been reported in 5 individuals (including 1 from Italy and 1 from France) with Glycogen Storage Disease II (PMID: 14972326, 25786784, 16917947, 24158270, 22704482) and has been identified in 0.011% (1/8702) of African chromosomes by the Genome Aggregation Database (gnomAD; dbSNP rs786204645). Although this variant has been seen in the general population, its frequency is low enough to be consistent with a recessive carrier frequency. This variant has also been reported likely pathogenic by Counsyl and pathogenic by Invitae in ClinVar (Variation ID: 189040). In vitro functional studies with COS cells transfected with this variant provide some evidence that the p.Arg702Cys variant may impact GAA activity (PMID: 14972326, 19862843). However, these types of assays may not accurately represent biological function. Computational prediction tools and conservation analyses suggest that this variant may impact the protein, though this information is not predictive enough to determine pathogenicity. The presence of this variant in combination with reported pathogenic variants and in individuals with Glycogen Storage Disease II increases the likelihood that the p.Arg702Cys variant is pathogenic (PMID: 24158270, 22704482, 14972326). Two additional variants at the the same position, p.Arg702His and p.Arg702Leu, have been reported likely pathogenic in association with disease in ClinVar (Variation ID: 426278, 92472). The phenotype of individuals heterozygous with this variant is highly specific for Glycogen Storage Disease II based on GAA activity assays with relevant tissue (PMID: 24158270, 22704482, 14972326). In summary, this variant meets criteria to be classified as pathogenic for Glycogen Storage Disease II in an autosomal recessive manner based on in vitro functional studies with COS cells transfected with this variant and multiple occurrences with pathogenic variants in individuals with Glycogen Storage Disease II. ACMG/AMP Criteria applied: PS3, PM3, PM2, PP3, PP4 (Richards 2015).

CeGaT Center for Human Genetics Tuebingen
Classification: Pathogenic. Last evaluated: 2018-11-01. Review status: criteria provided, single submitter. Criteria: CeGaT Center For Human Genetics Tuebingen Variant Classification Criteria Version 2. Collection method: clinical testing. Allele origin: germline. Affected: yes. Observed: 1 variant allele. Not counted in ClinVar's aggregate classification.

Juno Genomics, Hangzhou Juno Genomics, Inc
Classification: Pathogenic for Glycogen storage disease, type II. Review status: criteria provided, single submitter. Criteria: ACMG Guidelines, 2015. Collection method: clinical testing. Allele origin: germline. Not counted in ClinVar's aggregate classification.
Comment: Absent from controls (or at extremely low frequency if recessive) in Genome Aggregation Database.;Multiple lines of computational evidence support a deleterious effect on the gene or gene product.;For recessive disorders, detected in trans with a pathogenic variant.

Neuberg Centre For Genomic Medicine, NCGM
Classification: Pathogenic for Glycogen storage disease, type II. Review status: criteria provided, single submitter. Criteria: ACMG Guidelines, 2015. Collection method: clinical testing. Allele origin: germline. Inheritance: Autosomal recessive inheritance. Affected: yes. Not counted in ClinVar's aggregate classification.
Comment: The observed missense c.2104C>Tp.Arg702Cys variant in GAA gene has been previously observed in homozygous and compound heterozygous states in multiple individuals affected with glycogen storage related disorders Montalvo AL et al.,2004; HernándezArévalo P et al.,2021. Experimental studies have shown that this missense variant is associated with reduced enzyme activity as compared to wild-type function of GAA Montalvo AL et al.,2004; Flanagan JJ et al. 2009. The p.Arg702Cys is present with allele frequency of 0.00% in gnomAD exomes. This variant has been submitted to ClinVar as Likely Pathogenic/ Pathogenic multiple submissions. Multiple lines of computational evidences Polyphen - Probably damaging, SIFT- Damaging and MutationTaster - Disease causing predict a damaging effect on protein structure and function for this variant. The reference amino acid of p.Arg702Cys in GAA is predicted as conserved by GERP++ and PhyloP across 100 vertebrates. The amino acid Arg at position 702 is changed to a Cys changing protein sequence and it might alter its composition and physico-chemical properties. For these reasons, this variant has been classified as Pathogenic.

Counsyl
Classification: Likely pathogenic for Glycogen storage disease, type II. Last evaluated: 2014-10-28. Review status: no assertion criteria provided. Collection method: literature only. Allele origin: unknown. Inheritance: Autosomal recessive inheritance. Not counted in ClinVar's aggregate classification.

Literature cited by the submitters: PubMed 19862843 (cited by 5 submitters); PubMed 14972326 (cited by 6 submitters); PubMed 40952111 (cited by Genomenon, Inc); PubMed 39273088 (cited by Genomenon, Inc); PubMed 37087815 (cited by Genomenon, Inc); PubMed 35264382 (cited by Genomenon, Inc and Natera, Inc.); PubMed 34734785 (cited by Genomenon, Inc); PubMed 34020684 (cited by Genomenon, Inc); PubMed 33301762 (cited by Genomenon, Inc and Natera, Inc.); PubMed 31392188 (cited by Genomenon, Inc); PubMed 30049495 (cited by Genomenon, Inc); PubMed 24158270 (cited by 3 submitters); PubMed 18211760 (cited by Labcorp Genetics (formerly Invitae), Labcorp); PubMed 18425781 (cited by Labcorp Genetics (formerly Invitae), Labcorp); PubMed 26310554 (cited by Labcorp Genetics (formerly Invitae), Labcorp); PubMed 22081099 (cited by Women's Health and Genetics/Laboratory Corporation of America, LabCorp); PubMed 25687148 (cited by Women's Health and Genetics/Laboratory Corporation of America, LabCorp); PubMed 22704482 (cited by Broad Center for Mendelian Genomics, Broad Institute of MIT and Harvard and Counsyl); PubMed 25786784 (cited by Broad Center for Mendelian Genomics, Broad Institute of MIT and Harvard); PubMed 16917947 (cited by Broad Center for Mendelian Genomics, Broad Institute of MIT and Harvard).